The following is an entry in ClinVar:

ClinVar aggregate classification (germline): Likely benign. Review status: reviewed by expert panel (3 of 4 stars). 2 submissions from 2 submitters: Likely benign (1). 1 of the submissions does not count toward it. Last evaluated 2026-11-20.

Conditions:
Primary ciliary dyskinesia. Also called: Ciliary dyskinesia. Identifiers: Orphanet 244, MedGen C0008780, MONDO:0016575, HP:0012265.
RPGR-related retinopathy. Also called: RPGR retinopathy. Identifiers: MedGen CN305589, MONDO:0100437.

Allele frequency attached by ClinVar (database versions not stated): gnomAD exomes below 0.00001.
gnomAD v4.1: 2 of 1,209,787 alleles (0.00017%); highest among the groups gnomAD compares: African/African-American, 0.0035%; no homozygotes.

Submissions (2):

ClinGen X-linked Inherited Retinal Disease Variant Curation Expert Panel, ClinGen
Classification: Likely benign for RPGR-related retinopathy. Last evaluated: 2026-11-20. Review status: reviewed by expert panel. Criteria: ClinGen X LinkedIRD ACMG Specifications RPGR V1.0.0. Collection method: curation. Allele origin: germline. Inheritance: X-linked inheritance.
Comment: NM_001034853.2(RPGR):c.528T>C is a silent variant at codon 176 that does not have an impact at splicing sites according to Splice AI, which predicts a delta score of 0.05 for all splicing types, which is below the ClinGen X-linked IRD VCEP recommended threshold of <0.1 and does not strongly predict an impact on splicing (BP7, BP4). This variant is absent from hemizygous individuals in gnomAD v.4.1.2 (PM2_Supporting). In summary, this variant is classified as likely benign for RPGR-related retinopathy based on the ClinGen X-linked Inherited Retinal Disease Expert Panel Specifications to the ACMG/AMP Variant Interpretation Guidelines for RPGR, Version 1.0.0, using the following evidence codes: BP4, BP7, and PM2_Supporting.

Ambry Genetics
Classification: Likely benign for Primary ciliary dyskinesia. Last evaluated: 2023-01-12. Review status: criteria provided, single submitter. Criteria: Ambry Variant Classification Scheme 2023. Collection method: clinical testing. Allele origin: germline. Not counted in ClinVar's aggregate classification.

NM_001034853.2(RPGR):c.528T>C (p.Asn176=)

Gene: RPGR (retinitis pigmentosa GTPase regulator; minus strand). Cytogenetic location: Xp11.4.
Variant type: single nucleotide variant.
Coding change: c.528T>C on transcript NM_001034853.2 (MANE Select); coding-DNA position 528, T replaced by C.
Protein change: p.Asn176=; no amino-acid change (asparagine 176 retained).
Molecular consequence: synonymous variant. On other transcripts: non-coding transcript variant (6).
Genome position (GRCh38, 1-based): chrX:38,317,407, A>G on the plus strand (T>C on the coding strand, the complement: RPGR is on the minus strand). VCF-style: chrX-38317407-A-G. GRCh37 (hg19) VCF-style: chrX-38176660-A-G.
Other names: NM_001034853.2(RPGR):c.528T>C; p.Asn176=; c.528T>C, p.Asn176= (NM_000328.3, NM_001367245.1, NM_001367246.1 and 3 more transcripts); c.558T>C, p.Asn186= (NM_001367248.1); c.525T>C, p.Asn175= (NM_001367249.1).
Identifiers: ClinVar variation 2448378 (VCV002448378.3), dbSNP rs2519889109, ClinGen allele CA515651644.